The following is an entry in ClinVar:

NM_018122.5(DARS2):c.1421C>T (p.Thr474Ile)

Gene: DARS2 (aspartyl-tRNA synthetase 2, mitochondrial; plus strand). Cytogenetic location: 1q25.1.
Variant type: single nucleotide variant.
Coding change: c.1421C>T on transcript NM_018122.5 (MANE Select); coding-DNA position 1421, C replaced by T.
Protein change: p.Thr474Ile; replaces threonine 474 with isoleucine.
Molecular consequence: missense variant.
Genome position (GRCh38, 1-based): chr1:173,853,425, C>T. VCF-style: chr1-173853425-C-T. GRCh37 (hg19) VCF-style: chr1-173822563-C-T.
Other names: c.1268C>T, p.Thr423Ile (NM_001365212.1); c.1421C>T (NM_018122.4); short protein forms T423I, T474I.
Identifiers: ClinVar variation 2190779 (VCV002190779.5), dbSNP rs201652519, ClinGen allele CA1250419.

ClinVar aggregate classification (germline): Uncertain significance. Review status: criteria provided, multiple submitters, no conflicts (2 of 4 stars). 2 submissions from 2 submitters: Uncertain significance (2). Last evaluated 2024-11-19.

Conditions:
Inborn genetic diseases. Identifiers: MedGen C0950123, MeSH D030342.

Allele frequency attached by ClinVar (database versions not stated): gnomAD exomes below 0.00001; ExAC 0.00001; gnomAD 0.00003; 1000 Genomes Project 30x 0.00016; 1000 Genomes Project 0.00020.
gnomAD v4.1: 8 of 1,614,136 alleles (0.0005%); highest among the groups gnomAD compares: Admixed American, 0.01%; no homozygotes.

Submissions (2):

Ambry Genetics
Classification: Uncertain significance for Inborn genetic diseases. Last evaluated: 2024-11-19. Review status: criteria provided, single submitter. Criteria: Ambry Variant Classification Scheme 2023. Collection method: clinical testing. Allele origin: germline.

Labcorp Genetics (formerly Invitae), Labcorp
Classification: Uncertain significance. Last evaluated: 2022-05-07. Review status: criteria provided, single submitter. Criteria: Invitae Variant Classification Sherloc (09022015). Collection method: clinical testing. Allele origin: germline.
Comment: In summary, the available evidence is currently insufficient to determine the role of this variant in disease. Therefore, it has been classified as a Variant of Uncertain Significance. Advanced modeling of protein sequence and biophysical properties (such as structural, functional, and spatial information, amino acid conservation, physicochemical variation, residue mobility, and thermodynamic stability) performed at Invitae indicates that this missense variant is not expected to disrupt DARS2 protein function. This variant has not been reported in the literature in individuals affected with DARS2-related conditions. This variant is present in population databases (rs201652519, gnomAD 0.003%). This sequence change replaces threonine, which is neutral and polar, with isoleucine, which is neutral and non-polar, at codon 474 of the DARS2 protein (p.Thr474Ile).